The following is an entry in ClinVar:

NM_016122.3(CEP83):c.827G>A (p.Arg276Gln)

Gene: CEP83 (centrosomal protein 83; minus strand). Cytogenetic location: 12q22.
Variant type: single nucleotide variant.
Coding change: c.827G>A on transcript NM_016122.3 (MANE Select); coding-DNA position 827, G replaced by A.
Protein change: p.Arg276Gln; replaces arginine 276 with glutamine.
Molecular consequence: missense variant. On other transcripts: non-coding transcript variant (2).
Genome position (GRCh38, 1-based): chr12:94,375,992, C>T on the plus strand (G>A on the coding strand, the complement: CEP83 is on the minus strand). VCF-style: chr12-94375992-C-T. GRCh37 (hg19) VCF-style: chr12-94769768-C-T.
Other names: c.827G>A, p.Arg276Gln (NM_001042399.2, NM_001346457.2, NM_001346460.2 and 3 more transcripts); c.515G>A, p.Arg172Gln (NM_001346458.2, NM_001346459.2, NM_001346462.2 and 2 more transcripts); c.602G>A, p.Arg201Gln (NM_001368041.1); c.290G>A, p.Arg97Gln (NM_001368042.1); short protein forms R97Q, R172Q, R201Q, R276Q.
Identifiers: ClinVar variation 1483721 (VCV001483721.4), dbSNP rs772661302, ClinGen allele CA6721821.

ClinVar aggregate classification (germline): Uncertain significance (1 of 4 stars; one submission).

Conditions:
Nephronophthisis 18 (NPHP18). Identifiers: Orphanet 655, MedGen C3890591, MONDO:0014374, OMIM 615862.

Allele frequency attached by ClinVar (database versions not stated): gnomAD 0.00001.
gnomAD v4.1: 10 of 1,557,180 alleles (0.00064%); highest among the groups gnomAD compares: South Asian, 0.0038%; no homozygotes.

Submission:

Labcorp Genetics (formerly Invitae), Labcorp
Classification: Uncertain significance for Nephronophthisis 18. Last evaluated: 2022-08-16. Review status: criteria provided, single submitter. Criteria: Invitae Variant Classification Sherloc (09022015). Collection method: clinical testing. Allele origin: germline.
Comment: This sequence change replaces arginine with glutamine at codon 276 of the CEP83 protein (p.Arg276Gln). The arginine residue is weakly conserved and there is a small physicochemical difference between arginine and glutamine. The frequency data for this variant in the population databases is considered unreliable, as metrics indicate poor data quality at this position in the gnomAD database. This variant has not been reported in the literature in individuals affected with CEP83-related conditions. ClinVar contains an entry for this variant (Variation ID: 1483721). Algorithms developed to predict the effect of missense changes on protein structure and function output the following: SIFT: "Not Available"; PolyPhen-2: "Benign"; Align-GVGD: "Not Available". The glutamine amino acid residue is found in multiple mammalian species, which suggests that this missense change does not adversely affect protein function. Algorithms developed to predict the effect of sequence changes on RNA splicing suggest that this variant may create or strengthen a splice site. In summary, the available evidence is currently insufficient to determine the role of this variant in disease. Therefore, it has been classified as a Variant of Uncertain Significance.